The following is an entry in ClinVar:

NM_001723.7(DST):c.5156T>C (p.Val1719Ala)

Gene: DST (dystonin; minus strand). Cytogenetic location: 6p12.1.
Variant type: single nucleotide variant.
Coding change: c.5156T>C on transcript NM_001723.7 (MANE Plus Clinical); coding-DNA position 5156, T replaced by C.
Protein change: p.Val1719Ala; replaces valine 1719 with alanine.
Molecular consequence: missense variant. On other transcripts: intron variant (10).
Genome position (GRCh38, 1-based): chr6:56,618,878, A>G on the plus strand (T>C on the coding strand, the complement: DST is on the minus strand). VCF-style: chr6-56618878-A-G. GRCh37 (hg19) VCF-style: chr6-56483676-A-G.
Other names: c.4831-4394T>C (NM_001144769.5); c.4930-4394T>C (NM_001374722.1, NM_001374736.1); c.4957-4394T>C (NM_001374734.1); c.4417-4394T>C (NM_001144770.2); c.4297-4394T>C (NM_001374730.1, NM_001386100.1, NM_183380.4 and 1 more transcripts); c.3319-4394T>C (NM_015548.5); short protein forms V1719A.
Identifiers: ClinVar variation 573626 (VCV000573626.4), dbSNP rs756979635, ClinGen allele CA3870407.
Genomic context (GRCh38, chr6:56,618,878, plus strand): 5'-AGAACCATCTTTCTGTGGGTCATCTGCTCCTCTATGGTCTTTAAGTGTAATTCGTCTTGT[A>G]CTTTTTTCAACCTGTTATTTAACTCTTGCACCTGAGCTTGTTGTAGCTGAACTTTCTGCT-3'
Protein context (NP_001714.1, residues 1709-1729): VQELNNRLKK[Val1719Ala]QDELHLKTIE

ClinVar aggregate classification (germline): Uncertain significance (1 of 4 stars; one submission).

Conditions:
Epidermolysis bullosa simplex 3, localized or generalized intermediate, with BP230 deficiency (EBS3). Also called: Epidermolysis bullosa simplex, autosomal recessive 2; Epidermolysis bullosa simplex due to BP230 deficiency. Identifiers: Orphanet 412181, MedGen C3809470, MONDO:0014180, OMIM 615425.
Hereditary sensory and autonomic neuropathy type 6. Also called: Neuropathy, hereditary sensory and autonomic, type VI; HSAN VI. Identifiers: Orphanet 314381, MedGen C3539003, MONDO:0013839, OMIM 614653.

Allele frequency attached by ClinVar (database versions not stated): gnomAD exomes below 0.00001; ExAC 0.00001; TOPMed 0.00001.
gnomAD v4.1: 5 of 1,614,050 alleles (0.00031%); highest among the groups gnomAD compares: Non-Finnish European, 0.00042%; no homozygotes.

Submission:

Labcorp Genetics (formerly Invitae), Labcorp
Classification: Uncertain significance for Epidermolysis bullosa simplex 3, localized or generalized intermediate, with BP230 deficiency; Hereditary sensory and autonomic neuropathy type 6. Last evaluated: 2021-09-21. Review status: criteria provided, single submitter. Criteria: Invitae Variant Classification Sherloc (09022015). Collection method: clinical testing. Allele origin: germline.
Comment: This sequence change replaces valine with alanine at codon 1719 of the DST protein (p.Val1719Ala). The valine residue is weakly conserved and there is a small physicochemical difference between valine and alanine. This variant is present in population databases (rs756979635, ExAC 0.001%). This variant has not been reported in the literature in individuals affected with DST-related conditions. Algorithms developed to predict the effect of missense changes on protein structure and function are either unavailable or do not agree on the potential impact of this missense change (SIFT: "Deleterious"; PolyPhen-2: "Benign"; Align-GVGD: "Class C0"). In summary, the available evidence is currently insufficient to determine the role of this variant in disease. Therefore, it has been classified as a Variant of Uncertain Significance.